The following is an entry in ClinVar:

ClinVar aggregate classification (germline): Uncertain significance (1 of 4 stars; one submission).

gnomAD v4.1: 1 of 1,610,684 alleles (0.000062%); highest among the groups gnomAD compares: Middle Eastern, 0.017%; no homozygotes.

Submission:

Labcorp Genetics (formerly Invitae), Labcorp
Classification: Uncertain significance. Last evaluated: 2022-04-01. Review status: criteria provided, single submitter. Criteria: Invitae Variant Classification Sherloc (09022015). Collection method: clinical testing. Allele origin: germline.
Comment: In summary, the available evidence is currently insufficient to determine the role of this variant in disease. Therefore, it has been classified as a Variant of Uncertain Significance. Variants that disrupt the consensus splice site are a relatively common cause of aberrant splicing (PMID: 17576681, 9536098). Algorithms developed to predict the effect of sequence changes on RNA splicing suggest that this variant is not likely to affect RNA splicing. This variant has not been reported in the literature in individuals affected with TUB-related conditions. This variant is not present in population databases (gnomAD no frequency). This sequence change falls in intron 9 of the TUB gene. It does not directly change the encoded amino acid sequence of the TUB protein. It affects a nucleotide within the consensus splice site.

Literature cited by the submitters: PubMed 17576681; PubMed 9536098.

NM_177972.3(TUB):c.999-3C>T

Genes: RIC3 (RIC3 acetylcholine receptor chaperone; minus strand), TUB (TUB bipartite transcription factor; plus strand). Cytogenetic location: 11p15.4.
Variant type: single nucleotide variant.
Coding change: c.999-3C>T on transcript NM_177972.3 (MANE Select); 3 bases into the intron before coding-DNA position 999, C replaced by T.
Molecular consequence: intron variant.
Genome position (GRCh38, 1-based): chr11:8,098,755, C>T. VCF-style: chr11-8098755-C-T. GRCh37 (hg19) VCF-style: chr11-8120302-C-T.
Other names: c.1164-3C>T (NM_003320.5).
Identifiers: ClinVar variation 1954200 (VCV001954200.3), dbSNP rs1944120520, ClinGen allele CA1950963710.